The following is an entry in ClinVar:

ClinVar aggregate classification (germline): Uncertain significance (1 of 4 stars; one submission).

Submission:

Greenwood Genetic Center Diagnostic Laboratories, Greenwood Genetic Center
Classification: Uncertain significance. Last evaluated: 2025-12-08. Review status: criteria provided, single submitter. Criteria: ACMG Guidelines, 2015. Collection method: clinical testing. Allele origin: germline. Affected: yes.
Comment: PM2, BP4

NM_001753.5(CAV1):c.196-6530G>A

Gene: CAV1 (caveolin 1; plus strand). Cytogenetic location: 7q31.2.
Variant type: single nucleotide variant.
Coding change: c.196-6530G>A on transcript NM_001753.5 (MANE Select); 6530 bases into the intron before coding-DNA position 196, G replaced by A.
Molecular consequence: intron variant.
Genome position (GRCh38, 1-based): chr7:116,552,416, G>A. VCF-style: chr7-116552416-G-A. GRCh37 (hg19) VCF-style: chr7-116192470-G-A.
Other names: c.103-6530G>A (NM_001172895.1, NM_001172896.2, NM_001172897.2).
Identifiers: ClinVar variation 4845514 (VCV004845514.1).